The following is an entry in ClinVar:

ClinVar aggregate classification (germline): Benign/Likely benign. Review status: criteria provided, multiple submitters, no conflicts (2 of 4 stars). 2 submissions from 2 submitters: Benign (1); Likely benign (1). Last evaluated 2026-08-19.

Conditions:
DICER1-related tumor predisposition. Also called: DICER1-related pleuropulmonary blastoma cancer predisposition syndrome; DICER1 syndrome. Identifiers: Orphanet 284343, MedGen C3839822, MONDO:0100216.

Submissions (2):

Myriad Genetics, Inc.
Classification: Benign for DICER1-related tumor predisposition. Last evaluated: 2026-08-19. Review status: criteria provided, single submitter. Criteria: Myriad Autosomal Dominant, Autosomal Recessive and X-Linked Classification Criteria (2023). Collection method: clinical testing. Allele origin: unknown.
Comment: This variant is considered benign. This variant is a silent/synonymous amino acid change and it is not expected to impact splicing.

Labcorp Genetics (formerly Invitae), Labcorp
Classification: Likely benign for DICER1-related tumor predisposition. Last evaluated: 2023-07-13. Review status: criteria provided, single submitter. Criteria: Invitae Variant Classification Sherloc (09022015). Collection method: clinical testing. Allele origin: germline.

NM_177438.3(DICER1):c.2022T>A (p.Pro674=)

Gene: DICER1 (dicer 1, ribonuclease III; minus strand). Cytogenetic location: 14q32.13.
Variant type: single nucleotide variant.
Coding change: c.2022T>A on transcript NM_177438.3 (MANE Select); coding-DNA position 2022, T replaced by A.
Protein change: p.Pro674=; no amino-acid change (proline 674 retained).
Molecular consequence: synonymous variant. On other transcripts: non-coding transcript variant (6).
Genome position (GRCh38, 1-based): chr14:95,113,110, A>T on the plus strand (T>A on the coding strand, the complement: DICER1 is on the minus strand). VCF-style: chr14-95113110-A-T. GRCh37 (hg19) VCF-style: chr14-95579447-A-T.
Other names: c.2022T>A, p.Pro674= (NM_001195573.1, NM_001271282.3, NM_001291628.2 and 13 more transcripts); c.1740T>A, p.Pro580= (NM_001395686.1); c.1617T>A, p.Pro539= (NM_001395687.1, NM_001395688.1, NM_001395689.1 and 3 more transcripts); c.1455T>A, p.Pro485= (NM_001395691.1); c.339T>A, p.Pro113= (NM_001395697.1).
Identifiers: ClinVar variation 2742818 (VCV002742818.4), dbSNP rs2542952606, ClinGen allele CA487629940.